The following is an entry in ClinVar:

NM_018077.3(RBM28):c.2098C>T (p.Gln700Ter)

Gene: RBM28 (RNA binding motif protein 28; minus strand). Cytogenetic location: 7q32.1.
Variant type: single nucleotide variant.
Coding change: c.2098C>T on transcript NM_018077.3 (MANE Select); coding-DNA position 2098, C replaced by T.
Protein change: p.Gln700Ter; replaces glutamine 700 with a stop codon.
Molecular consequence: nonsense.
Genome position (GRCh38, 1-based): chr7:128,313,222, G>A on the plus strand (C>T on the coding strand, the complement: RBM28 is on the minus strand). VCF-style: chr7-128313222-G-A. GRCh37 (hg19) VCF-style: chr7-127953275-G-A.
Other names: c.1675C>T, p.Gln559Ter (NM_001166135.2); short protein forms Q559*, Q700*.
Identifiers: ClinVar variation 2637702 (VCV002637702.1), dbSNP rs2535565081, ClinGen allele CA369445250.

ClinVar aggregate classification (germline): Uncertain significance (1 of 4 stars; one submission).

Submission:

Women's Health and Genetics/Laboratory Corporation of America, LabCorp
Classification: Uncertain significance. Last evaluated: 2023-10-12. Review status: criteria provided, single submitter. Criteria: LabCorp Variant Classification Summary - May 2015. Collection method: clinical testing. Allele origin: germline.
Comment: Variant summary: RBM28 c.2098C>T (p.Gln700X) results in a premature termination codon, predicted to cause absence of the protein due to nonsense mediated decay. Emergering evidence suggests biallelic loss-of-function or reduced-function variants in RBM28 cause autosomal recessve Alopecia, neurological defects and endocrinopathy syndrome (PMID: 18439547,27077951, 33941690): At-least three variants (one missense, one caonical splice site variant, and one indel affecting canonical splice site) have been reported in 6 patients from two unrelated families diagnosed with ANE syndrome. The variant was absent in 251494 control chromosomes. To our knowledge, no occurrence of c.2098C>T in individuals affected with ANE Syndrome and no experimental evidence demonstrating its impact on protein function have been reported. No submitters have cited clinical-significance assessments for this variant to ClinVar after 2014. Based on the evidence outlined above, the variant was classified as VUS possibly pathogenic.